The following is an entry in ClinVar:

ClinVar aggregate classification (germline): Likely benign. Review status: criteria provided, multiple submitters, no conflicts (2 of 4 stars). 2 submissions from 2 submitters: Likely benign (2). Last evaluated 2026-01-08.

Allele frequency attached by ClinVar (database versions not stated): gnomAD 0.00008; TOPMed 0.00010; ESP Exome Variant Server 0.00023.
gnomAD v4.1: 107 of 1,614,108 alleles (0.0066%); highest among the groups gnomAD compares: Admixed American, 0.022%; no homozygotes.

Submissions (2):

Labcorp Genetics (formerly Invitae), Labcorp
Classification: Likely benign. Last evaluated: 2026-01-08. Review status: criteria provided, single submitter. Criteria: Invitae Variant Classification Sherloc (09022015). Collection method: clinical testing. Allele origin: germline.

Mayo Clinic Laboratories, Mayo Clinic
Classification: Likely benign. Last evaluated: 2025-06-30. Review status: criteria provided, single submitter. Criteria: ACMG Guidelines, 2015. Collection method: clinical testing. Allele origin: germline. Observed: 1 variant allele.
Comment: BS1, BP4, BP7

NM_018060.4(IARS2):c.2949G>A (p.Thr983=)

Gene: IARS2 (isoleucyl-tRNA synthetase 2, mitochondrial; plus strand). Cytogenetic location: 1q41.
Variant type: single nucleotide variant.
Coding change: c.2949G>A on transcript NM_018060.4 (MANE Select); coding-DNA position 2949, G replaced by A.
Protein change: p.Thr983=; no amino-acid change (threonine 983 retained).
Molecular consequence: synonymous variant.
Genome position (GRCh38, 1-based): chr1:220,147,545, G>A. VCF-style: chr1-220147545-G-A. GRCh37 (hg19) VCF-style: chr1-220320887-G-A.
Other names: p.Thr983=.
Identifiers: ClinVar variation 1587616 (VCV001587616.9), dbSNP rs149528664, ClinGen allele CA1401902.
Genomic context (GRCh38, chr1:220,147,545, plus strand): 5'-TTTTATAGGTGGTGATATTCGTGAAGAGTCTTCCTATAAAGTAATTGTCATGCCGACTAC[G>A]AAAGAAAAATGCCCCCGTTGTTGGAAGTATACAGCGGAGTCTTCAGATACACTGTGTCCT-3'
Protein context (NP_060530.3, residues 973-993): SSYKVIVMPT[Thr983=]KEKCPRCWKY